The following is an entry in ClinVar:

ClinVar aggregate classification (germline): Benign/Likely benign. Review status: criteria provided, multiple submitters, no conflicts (2 of 4 stars). 5 submissions from 5 submitters: Benign (2); Likely benign (2). 1 of the submissions does not count toward it. Last evaluated 2026-01-18.

Conditions:
CDKN1B-related disorder. Also called: CDKN1B-related condition.
Hereditary cancer-predisposing syndrome. Also called: Tumor predisposition; Neoplastic Syndromes, Hereditary; Hereditary Cancer Syndrome; Hereditary neoplastic syndrome. Identifiers: Orphanet 140162, MedGen C0027672, MeSH D009386, MONDO:0015356.
Multiple endocrine neoplasia type 4. Also called: MULTIPLE ENDOCRINE NEOPLASIA, TYPE IV. Identifiers: Orphanet 276152, MedGen C1970712, MONDO:0012552, OMIM 610755.

Allele frequency attached by ClinVar (database versions not stated): gnomAD exomes 0.00005 and 0.00007; ExAC 0.00009; 1000 Genomes Project 30x 0.00016; 1000 Genomes Project 0.00020; gnomAD 0.00029 and 0.00031; TOPMed 0.00038; ESP Exome Variant Server 0.00054.
gnomAD v4.1: 108 of 1,614,152 alleles (0.0067%); highest among the groups gnomAD compares: African/African-American, 0.12%; no homozygotes.

Submissions (5):

Labcorp Genetics (formerly Invitae), Labcorp
Classification: Benign for Multiple endocrine neoplasia type 4. Last evaluated: 2026-01-18. Review status: criteria provided, single submitter. Criteria: Invitae Variant Classification Sherloc (09022015). Collection method: clinical testing. Allele origin: germline.

Sema4
Classification: Benign for Hereditary cancer-predisposing syndrome. Last evaluated: 2021-03-15. Review status: criteria provided, single submitter. Criteria: Sema4 Curation Guidelines. Collection method: curation. Allele origin: germline.

Ambry Genetics
Classification: Likely benign for Hereditary cancer-predisposing syndrome. Last evaluated: 2017-10-12. Review status: criteria provided, single submitter. Criteria: Ambry Variant Classification Scheme 2023. Collection method: clinical testing. Allele origin: germline.

Breakthrough Genomics
Classification: Likely benign. Review status: criteria provided, single submitter. Criteria: ACMG Guidelines, 2015. Collection method: not provided. Allele origin: germline. Inheritance: Autosomal dominant inheritance. Affected: yes.

PreventionGenetics, part of Exact Sciences
Classification: Likely benign for CDKN1B-related condition. Last evaluated: 2024-01-08. Review status: no assertion criteria provided. Collection method: clinical testing. Allele origin: germline. Not counted in ClinVar's aggregate classification.
Comment: This variant is classified as likely benign based on ACMG/AMP sequence variant interpretation guidelines (Richards et al. 2015 PMID: 25741868, with internal and published modifications).

NM_004064.5(CDKN1B):c.114C>T (p.His38=)

Gene: CDKN1B (cyclin dependent kinase inhibitor 1B; plus strand). Cytogenetic location: 12p13.1.
Variant type: single nucleotide variant.
Coding change: c.114C>T on transcript NM_004064.5 (MANE Select); coding-DNA position 114, C replaced by T.
Protein change: p.His38=; no amino-acid change (histidine 38 retained).
Molecular consequence: synonymous variant.
Genome position (GRCh38, 1-based): chr12:12,717,953, C>T. VCF-style: chr12-12717953-C-T. GRCh37 (hg19) VCF-style: chr12-12870887-C-T.
Identifiers: ClinVar variation 412886 (VCV000412886.20), dbSNP rs141178987, ClinGen allele CA6457380.